The following is an entry in ClinVar:

NM_016363.5(GP6):c.*241A>G

Gene: GP6 (glycoprotein VI platelet; minus strand). Cytogenetic location: 19q13.42.
Variant type: single nucleotide variant.
Coding change: c.*241A>G on transcript NM_016363.5 (MANE Select); 241 bases downstream of the stop codon, A replaced by G.
Molecular consequence: 3 prime UTR variant. On other transcripts: missense variant (1).
Genome position (GRCh38, 1-based): chr19:55,014,680, T>C on the plus strand (A>G on the coding strand, the complement: GP6 is on the minus strand). VCF-style: chr19-55014680-T-C. GRCh37 (hg19) VCF-style: chr19-55526048-T-C.
Other names: c.1265A>G, p.His422Arg (NM_001083899.2); c.*241A>G (NM_001256017.2); short protein forms H422R.
Identifiers: ClinVar variation 1715661 (VCV001715661.5), dbSNP rs781548792, ClinGen allele CA310121368.
Genomic context (GRCh38, chr19:55,014,680, plus strand): 5'-AGAGGCCAGTATGTGGTCCAGCCAGGGTACCATGTCATCCACAGTGTGCAGGGAGGAGGA[T>C]GGGGTCTCCACAGATTCCTTCCATCCCAAATGGAGGGTGCCCTCAGACAGAGAGGCAGAC-3'

ClinVar aggregate classification (germline): Uncertain significance (1 of 4 stars; one submission).

Allele frequency attached by ClinVar (database versions not stated): gnomAD exomes below 0.00001; ExAC 0.00001.
gnomAD v4.1: 2 of 1,613,982 alleles (0.00012%); highest among the groups gnomAD compares: Non-Finnish European, 0.000085%; no homozygotes.

Submission:

Labcorp Genetics (formerly Invitae), Labcorp
Classification: Uncertain significance. Last evaluated: 2022-10-14. Review status: criteria provided, single submitter. Criteria: Invitae Variant Classification Sherloc (09022015). Collection method: clinical testing. Allele origin: germline.
Comment: In summary, the available evidence is currently insufficient to determine the role of this variant in disease. Therefore, it has been classified as a Variant of Uncertain Significance. Algorithms developed to predict the effect of missense changes on protein structure and function are either unavailable or do not agree on the potential impact of this missense change (SIFT: "Tolerated"; PolyPhen-2: "Possibly Damaging"; Align-GVGD: "Class C0"). This variant has not been reported in the literature in individuals affected with GP6-related conditions. This variant is present in population databases (rs781548792, gnomAD 0.0009%). This sequence change replaces histidine, which is basic and polar, with arginine, which is basic and polar, at codon 422 of the GP6 protein (p.His422Arg).